The following is an entry in ClinVar:

NM_003742.4(ABCB11):c.3065C>T (p.Ser1022Phe)

Gene: ABCB11 (ATP binding cassette subfamily B member 11; minus strand). Cytogenetic location: 2q31.1.
Variant type: single nucleotide variant.
Coding change: c.3065C>T on transcript NM_003742.4 (MANE Select); coding-DNA position 3065, C replaced by T.
Protein change: p.Ser1022Phe; replaces serine 1022 with phenylalanine.
Molecular consequence: missense variant.
Genome position (GRCh38, 1-based): chr2:168,932,525, G>A on the plus strand (C>T on the coding strand, the complement: ABCB11 is on the minus strand). VCF-style: chr2-168932525-G-A. GRCh37 (hg19) VCF-style: chr2-169789035-G-A.
Other names: short protein forms S1022F.
Identifiers: ClinVar variation 4846165 (VCV004846165.1).
Genomic context (GRCh38, chr2:168,932,525, plus strand): 5'-GCATAACTTGGGGTGTAAGAGAAGGCTCTTCCAAGAGCTGTTGCACTCAGTACAACTGCA[G>A]AGATCACCCTGTAACCAGACAGACACACAGGAAGAGAGCAGGGTGGCGTGGTTGGTGTGA-3'
Protein context (NP_003733.2, residues 1012-1032): LHFSYVFRVI[Ser1022Phe]AVVLSATALG

ClinVar aggregate classification (germline): Uncertain significance (1 of 4 stars; one submission).

Conditions:
Familial intrahepatic cholestasis. Identifiers: Orphanet 284385, MedGen CN296401, MONDO:0017290.

Submission:

Genomenon, Inc
Classification: Uncertain significance for Familial intrahepatic cholestasis. Last evaluated: 2026-04-14. Review status: criteria provided, single submitter. Criteria: Genomenon Sequence Variant Interpretation Standards - Updated. Collection method: curation. Allele origin: germline. Affected: no.
Comment: ABCB11 p.Ser1022Phe (c.3065C>T) is a missense variant that changes the amino acid at residue 1022 from Serine to Phenylalanine. This variant has been reported in the published literature (PMID:37949847). It is absent or not present at a significant frequency in gnomAD. In silico models predict that this variant is possibly or probably damaging. In conclusion, we classify ABCB11 p.Ser1022Phe (c.3065C>T) as a variant of uncertain significance.

Literature cited by the submitters: PubMed 37949847.